The following is an entry in ClinVar:

Single allele

Gene: DMD (dystrophin; minus strand). Cytogenetic location: Xp21.1.
Variant type: Deletion.
Identifiers: ClinVar variation 1807246 (VCV001807246.2).

ClinVar aggregate classification (germline): Pathogenic (1 of 4 stars; one submission).

Submission:

Athena Diagnostics
Classification: Pathogenic. Last evaluated: 2023-08-24. Review status: criteria provided, single submitter. Criteria: Athena Diagnostics Criteria. Collection method: clinical testing. Allele origin: unknown.
Comment: This variant is expected to result in the loss of a functional protein. Similar deletions of exon 50 have been reported in multiple patients with DMD, and also a few cases with BMD (PMID: 28610567, 16834926). This variant has not been reported in large, multi-ethnic general populations (Genome Aggregation Database (gnomAD), Cambridge, MA (URL)).

Literature cited by the submitters: PubMed 15038390; PubMed 25007885; PubMed 16770791; PubMed 28610567; PubMed 16834926; PubMed 26081009; PubMed 36361501; PubMed 31727011; PubMed 34297739; PubMed 32655290; PubMed 34629887; PubMed 33101180; PubMed 31081998; PubMed 31443951; PubMed 31139960; PubMed 32194622; PubMed 36034570; PubMed 29847600; PubMed 29973226; PubMed 31705731; PubMed 32358784; PubMed 25972034; PubMed 27593222; PubMed 16049303; PubMed 11388892; PubMed 23588064; PubMed 23438214; PubMed 19367636; PubMed 18752307; PubMed 25482253; PubMed 16566881; PubMed 9028449; PubMed 19937601.